The following is an entry in ClinVar:

ClinVar aggregate classification (germline): Benign (1 of 4 stars; one submission).

Allele frequency attached by ClinVar (database versions not stated): gnomAD exomes 0.08963 and 0.09486; ExAC 0.09925; 1000 Genomes Project 0.12979; 1000 Genomes Project 30x 0.13710; gnomAD 0.14216 and 0.14719; TOPMed 0.14707; ESP Exome Variant Server 0.14841.
gnomAD v4.1: 152,892 of 1,613,780 alleles (9.5%); highest among the groups gnomAD compares: African/African-American, 29%; 8,939 homozygotes.

Submission:

GeneDx
Classification: Benign. Last evaluated: 2019-01-18. Review status: criteria provided, single submitter. Criteria: GeneDx Variant Classification Process June 2021. Collection method: clinical testing. Allele origin: germline. Affected: yes.
Comment: This variant is associated with the following publications: (PMID: 29409727)

NM_018912.3(PCDHGA1):c.2421+29089A>G

Genes: PCDHGB1 (protocadherin gamma subfamily B, 1; plus strand), PCDHGB2 (protocadherin gamma subfamily B, 2; plus strand), PCDHGA2 (protocadherin gamma subfamily A, 2; plus strand), PCDHGA3 (protocadherin gamma subfamily A, 3; plus strand), PCDHGA4 (protocadherin gamma subfamily A, 4; plus strand) and 2 more. Cytogenetic location: 5q31.3.
Variant type: single nucleotide variant.
Coding change: c.2421+29089A>G on transcript NM_018912.3 (MANE Select); 29089 bases into the intron after coding-DNA position 2421, A replaced by G.
Molecular consequence: intron variant. On other transcripts: missense variant (2).
Genome position (GRCh38, 1-based): chr5:141,362,194, A>G. VCF-style: chr5-141362194-A-G. GRCh37 (hg19) VCF-style: chr5-140741761-A-G.
Other names: c.2059A>G, p.Lys687Glu (NM_018923.3, NM_032096.1); c.2424+20799A>G (NM_018915.4); c.2424+15737A>G (NM_018916.4); c.2409+9525A>G (NM_018922.3); c.2514+4573A>G (NM_018917.4); short protein forms K687E.
Identifiers: ClinVar variation 1276735 (VCV001276735.1), dbSNP rs57735633, ClinGen allele CA3469825.